The following is an entry in ClinVar:

ClinVar aggregate classification (germline): Likely benign. Review status: criteria provided, multiple submitters, no conflicts (2 of 4 stars). 3 submissions from 3 submitters: Likely benign (3). Last evaluated 2026-02-02.

Conditions:
Hereditary cancer-predisposing syndrome. Also called: Hereditary Cancer Syndrome; Tumor predisposition; Neoplastic Syndromes, Hereditary; Hereditary neoplastic syndrome. Identifiers: Orphanet 140162, MedGen C0027672, MeSH D009386, MONDO:0015356.
Neuroblastoma, susceptibility to, 3. Also called: ALK-Related Neuroblastic Tumor Susceptibility. Identifiers: Orphanet 635, MedGen C2751681, MONDO:0013083, OMIM 613014.

Allele frequency attached by ClinVar (database versions not stated): TOPMed below 0.00001.

Submissions (3):

Ambry Genetics
Classification: Likely benign for Hereditary cancer-predisposing syndrome. Last evaluated: 2026-02-02. Review status: criteria provided, single submitter. Criteria: Ambry Variant Classification Scheme 2023. Collection method: clinical testing. Allele origin: germline.

CeGaT Center for Human Genetics Tuebingen
Classification: Likely benign. Last evaluated: 2025-08-01. Review status: criteria provided, single submitter. Criteria: CeGaT Center For Human Genetics Tuebingen Variant Classification Criteria Version 2. Collection method: clinical testing. Allele origin: germline. Affected: yes. Observed: 1 variant allele.
Comment: ALK: PM2:Supporting, BP4, BP7

Labcorp Genetics (formerly Invitae), Labcorp
Classification: Likely benign for Neuroblastoma, susceptibility to, 3. Last evaluated: 2022-09-07. Review status: criteria provided, single submitter. Criteria: Invitae Variant Classification Sherloc (09022015). Collection method: clinical testing. Allele origin: germline.

NM_004304.5(ALK):c.2061A>G (p.Thr687=)

Gene: ALK (ALK receptor tyrosine kinase; minus strand). Cytogenetic location: 2p23.2.
Variant type: single nucleotide variant.
Coding change: c.2061A>G on transcript NM_004304.5 (MANE Select); coding-DNA position 2061, A replaced by G.
Protein change: p.Thr687=; no amino-acid change (threonine 687 retained).
Molecular consequence: synonymous variant.
Genome position (GRCh38, 1-based): chr2:29,251,248, T>C on the plus strand (A>G on the coding strand, the complement: ALK is on the minus strand). VCF-style: chr2-29251248-T-C. GRCh37 (hg19) VCF-style: chr2-29474114-T-C.
Other names: c.2061A>G (NM_004304.4).
Identifiers: ClinVar variation 1368244 (VCV001368244.16), dbSNP rs1216551906, ClinGen allele CA425438503.